The following is an entry in ClinVar:

NM_000051.4(ATM):c.7381C>T (p.Arg2461Cys)

Genes: ATM (ATM serine/threonine kinase; plus strand), C11orf65 (chromosome 11 open reading frame 65; minus strand). Cytogenetic location: 11q22.3.
Variant type: single nucleotide variant.
Coding change: c.7381C>T on transcript NM_000051.4 (MANE Select); coding-DNA position 7381, C replaced by T.
Protein change: p.Arg2461Cys; replaces arginine 2461 with cysteine.
Molecular consequence: missense variant. On other transcripts: intron variant (2).
Genome position (GRCh38, 1-based): chr11:108,330,287, C>T. VCF-style: chr11-108330287-C-T. GRCh37 (hg19) VCF-style: chr11-108201014-C-T.
Other names: p.R2461C:CGC>TGC; c.7381C>T, p.Arg2461Cys (NM_001351834.2); c.641-21216G>A (NM_001330368.2); c.*38+4933G>A (NM_001351110.2); short protein forms R2461C.
Identifiers: ClinVar variation 142541 (VCV000142541.108), dbSNP rs201314561, ClinGen allele CA294439.

ClinVar aggregate classification (germline): Conflicting classifications of pathogenicity. Review status: criteria provided, conflicting classifications (1 of 4 stars). 19 submissions from 19 submitters: Uncertain significance (11); Benign (1); Likely benign (3). 4 of the submissions do not count toward it. Last evaluated 2026-08-06.

Conditions:
Ataxia-telangiectasia syndrome (AT). Also called: Ataxia-telangiectasia, complementation group D; AT, COMPLEMENTATION GROUP C; Ataxia-telangiectasia; ATAXIA-TELANGIECTASIA, COMPLEMENTATION GROUP A; ATAXIA-TELANGIECTASIA, FRESNO VARIANT; Ataxia-telangiectasia, complementation group E. Identifiers: Orphanet 100, MedGen C0004135, MONDO:0008840, OMIM 208900.
Malignant tumor of breast. Also called: Malignant breast neoplasm; Cancer breast. Identifiers: MedGen C0006142, MONDO:0007254. Disease mechanism: loss of function.
ATM-related disorder. Also called: ATM-related disorders; ATM-related condition.
Hereditary cancer-predisposing syndrome. Also called: Neoplastic Syndromes, Hereditary; Hereditary Cancer Syndrome; Tumor predisposition; Hereditary neoplastic syndrome. Identifiers: Orphanet 140162, MedGen C0027672, MeSH D009386, MONDO:0015356.
Familial cancer of breast. Also called: BREAST CANCER, FAMILIAL; hereditary breast carcinoma; Hereditary breast cancer. Identifiers: Orphanet 227535, MedGen C0346153, MONDO:0016419, OMIM 114480. Disease mechanism: loss of function.

Allele frequency attached by ClinVar (database versions not stated): gnomAD 0.00017 and 0.00016; 1000 Genomes Project 0.00020; TOPMed 0.00014; 1000 Genomes Project 30x 0.00016; ESP Exome Variant Server 0.00023.
gnomAD v4.1: 99 of 1,614,160 alleles (0.0061%); highest among the groups gnomAD compares: African/African-American, 0.052%; no homozygotes.

Submissions 1 to 11 of 19:

PreventionGenetics, part of Exact Sciences
Classification: Uncertain significance for ATM-related condition. Last evaluated: 2026-08-06. Review status: criteria provided, single submitter. Criteria: ACMG Guidelines, 2015. Collection method: clinical testing. Allele origin: germline.
Comment: The ATM c.7381C>T variant is predicted to result in the amino acid substitution p.Arg2461Cys. This variant has been reported in individuals with endometrial, colorectal, and prostate cancer (Ring et al. 2016. PubMed ID: 27443514, Table S2; Pearlman et al. 2017. PubMed ID: 27978560, eTable 2; Beebe-Dimmer et al. 2018. PubMed ID: 29356034). Experimental studies showed this variant does not negatively impact ATM function (Hanenberg et al. 2025. PubMed ID: 40105422). This variant is reported in 0.060% of alleles in individuals of African descent in gnomAD and has conflicting interpretations in ClinVar ranging from uncertain to benign (Variation ID: 142541). Although we suspect this variant may be benign, at this time, the clinical significance of this variant is uncertain due to the absence of conclusive functional and genetic evidence.

Labcorp Genetics (formerly Invitae), Labcorp
Classification: Likely benign for Ataxia-telangiectasia syndrome. Last evaluated: 2026-02-02. Review status: criteria provided, single submitter. Criteria: Invitae Variant Classification Sherloc (09022015). Collection method: clinical testing. Allele origin: germline.

Ambry Genetics
Classification: Uncertain significance for Hereditary cancer-predisposing syndrome. Last evaluated: 2025-09-18. Review status: criteria provided, single submitter. Criteria: Ambry Variant Classification Scheme 2023. Collection method: clinical testing. Allele origin: germline.
Comment: The p.R2461C variant (also known as c.7381C>T), located in coding exon 49 of the ATM gene, results from a C to T substitution at nucleotide position 7381. The arginine at codon 2461 is replaced by cysteine, an amino acid with highly dissimilar properties. This amino acid position is well conserved in available vertebrate species. In addition, the in silico prediction for this alteration is inconclusive. Based on the available evidence, the clinical significance of this variant remains unclear.

Quest Diagnostics Nichols Institute San Juan Capistrano
Classification: Uncertain significance. Last evaluated: 2025-08-29. Review status: criteria provided, single submitter. Criteria: Quest Diagnostics criteria. Collection method: clinical testing. Allele origin: unknown.

ARUP Laboratories, Molecular Genetics and Genomics, ARUP Laboratories
Classification: Uncertain significance. Last evaluated: 2025-02-21. Review status: criteria provided, single submitter. Criteria: ARUP Molecular Germline Variant Investigation Process 2024. Collection method: clinical testing. Allele origin: germline.
Comment: The ATM c.7381C>T; p.Arg2461Cys variant (rs201314561, ClinVar Variation ID 142541) is reported in the literature in individuals with endometrial, prostate, glioneuronal and colorectal cancer ((Beebe-Dimmer 2018, Betge 2015, Pearlman 2017, Ring 2016, Stone 2018). Some of these individual carry additional variants in cancer related genes. This variant is found in the general population with an overall allele frequency of 0.01% (26/282686 alleles) in the Genome Aggregation Database (v2.1.1). Computational analyses predict that this variant is deleterious (REVEL: 0.707). Based on available information, the significance of this variant is uncertain at this time. References: Beebe-Dimmer JL et al. Rare germline mutations in African American men diagnosed with early-onset prostate cancer. The Prostate. 2018 Apr. PMID: 29356034 Betge J et al. Amplicon sequencing of colorectal cancer: variant calling in frozen and formalin-fixed samples. PLoS One. 2015 PMID: 26010451 Pearlman R et al. Prevalence and Spectrum of Germline Cancer Susceptibility Gene Mutations Among Patients With Early-Onset Colorectal Cancer. JAMA Oncol. 2017 Apr 1. PMID: 27978560 Ring KL et al. Germline multi-gene hereditary cancer panel testing in an unselected endometrial cancer cohort. Mod Pathol. 2016 Nov. PMID: 27443514 Stone TJ et al. Comprehensive molecular characterisation of epilepsy-associated glioneuronal tumours. Acta Neuropathol. 2018 Jan. PMID: 29058119

GeneDx
Classification: Uncertain significance. Last evaluated: 2024-09-04. Review status: criteria provided, single submitter. Criteria: GeneDx Variant Classification Process June 2021. Collection method: clinical testing. Allele origin: germline. Affected: yes.
Comment: In silico analysis supports that this missense variant has a deleterious effect on protein structure/function; This variant is associated with the following publications: (PMID: 27498913, 27443514, 26010451, 27978560, 29356034, 29058119, 27304073, 24983367, 33280026, 32832836, 31617914, Carpenter2024[computational], 23532176)

Color Diagnostics, LLC DBA Color Health
Classification: Uncertain significance for Hereditary cancer-predisposing syndrome. Last evaluated: 2024-08-12. Review status: criteria provided, single submitter. Criteria: ACMG Guidelines, 2015. Collection method: clinical testing. Allele origin: germline.
Comment: This missense variant replaces arginine with cysteine at codon 2461 of the ATM protein. Computational prediction suggests that this variant may have deleterious impact on protein structure and function. To our knowledge, functional studies have not been reported for this variant. In a large international case-control meta-analysis, this variant was reported in 6/60466 breast cancer cases and 3/53461 controls (PMID: 33471991). This variant has also been reported in individuals affected with early-onset or bilateral breast cancer (Color internal data), early-onset prostate cancer (PMID: 29356034), colorectal cancer (PMID: 28135145, 27978560), sarcoma (PMID: 27498913), and endometrial carcinoma (PMID: 27443514). This variant has been identified in 26/282686 chromosomes in the general population by the Genome Aggregation Database (gnomAD). The available evidence is insufficient to determine the role of this variant in disease conclusively. Therefore, this variant is classified as a Variant of Uncertain Significance.

Myriad Genetics, Inc.
Classification: Likely benign for Familial cancer of breast. Last evaluated: 2024-06-13. Review status: criteria provided, single submitter. Criteria: Myriad Autosomal Dominant, Autosomal Recessive and X-Linked Classification Criteria (2023). Collection method: clinical testing. Allele origin: unknown.
Comment: This variant is considered likely benign. This variant is strongly associated with less severe personal and family histories of cancer, typical for individuals without pathogenic variants in this gene [PMID: 25085752].

Institute for Biomarker Research, Medical Diagnostic Laboratories, L.L.C.
Classification: Benign for Hereditary cancer-predisposing syndrome. Last evaluated: 2024-05-07. Review status: criteria provided, single submitter. Criteria: ACMG Guidelines, 2015. Collection method: clinical testing. Allele origin: germline.

Baylor Genetics
Classification: Uncertain significance for Familial cancer of breast. Last evaluated: 2024-03-18. Review status: criteria provided, single submitter. Criteria: ACMG Guidelines, 2015. Collection method: clinical testing. Allele origin: unknown.

CeGaT Center for Human Genetics Tuebingen
Classification: Uncertain significance. Last evaluated: 2023-03-01. Review status: criteria provided, single submitter. Criteria: CeGaT Center For Human Genetics Tuebingen Variant Classification Criteria Version 2. Collection method: clinical testing. Allele origin: germline. Affected: yes. Observed: 1 variant allele.